The following is an entry in ClinVar:

ClinVar aggregate classification (germline): Likely benign. Review status: criteria provided, multiple submitters, no conflicts (2 of 4 stars). 3 submissions from 3 submitters: Likely benign (2). 1 of the submissions does not count toward it. Last evaluated 2026-01-16.

Conditions:
Glycogen storage disease IXa1. Also called: GLYCOGEN STORAGE DISEASE VIII; GSD VIII; Glycogen storage disease 8; LIVER GLYCOGENOSIS, X-LINKED, TYPE I. Identifiers: Orphanet 264580, MedGen C3694531, MONDO:0010598, OMIM 306000.
PHKA2-related disorder. Also called: PHKA2-related condition.

Allele frequency attached by ClinVar (database versions not stated): ESP Exome Variant Server 0.00009; TOPMed 0.00013; 1000 Genomes Project 30x 0.00021; gnomAD 0.00023.
gnomAD v4.1: 135 of 1,210,006 alleles (0.011%); highest among the groups gnomAD compares: South Asian, 0.021%; no homozygotes.

Submissions (3):

Labcorp Genetics (formerly Invitae), Labcorp
Classification: Likely benign for Glycogen storage disease IXa1. Last evaluated: 2026-01-16. Review status: criteria provided, single submitter. Criteria: Invitae Variant Classification Sherloc (09022015). Collection method: clinical testing. Allele origin: germline.

GeneDx
Classification: Likely benign. Last evaluated: 2018-03-12. Review status: criteria provided, single submitter. Criteria: GeneDx Variant Classification (06012015). Collection method: clinical testing. Allele origin: germline. Affected: yes.
Comment: This variant is considered likely benign or benign based on one or more of the following criteria: it is a conservative change, it occurs at a poorly conserved position in the protein, it is predicted to be benign by multiple in silico algorithms, and/or has population frequency not consistent with disease.

PreventionGenetics, part of Exact Sciences
Classification: Likely benign for PHKA2-related condition. Last evaluated: 2019-07-09. Review status: no assertion criteria provided. Collection method: clinical testing. Allele origin: germline. Not counted in ClinVar's aggregate classification.
Comment: This variant is classified as likely benign based on ACMG/AMP sequence variant interpretation guidelines (Richards et al. 2015 PMID: 25741868, with internal and published modifications).

NM_000292.3(PHKA2):c.3615G>A (p.Pro1205=)

Genes: PHKA2-AS1 (PHKA2 antisense RNA 1; plus strand), PHKA2 (phosphorylase kinase regulatory subunit alpha 2; minus strand). Cytogenetic location: Xp22.13.
Variant type: single nucleotide variant.
Coding change: c.3615G>A on transcript NM_000292.3 (MANE Select); coding-DNA position 3615, G replaced by A.
Protein change: p.Pro1205=; no amino-acid change (proline 1205 retained).
Molecular consequence: synonymous variant.
Genome position (GRCh38, 1-based): chrX:18,893,578, C>T on the plus strand (G>A on the coding strand, the complement: PHKA2 is on the minus strand). VCF-style: chrX-18893578-C-T. GRCh37 (hg19) VCF-style: chrX-18911696-C-T.
Identifiers: ClinVar variation 515896 (VCV000515896.6), dbSNP rs200550207, ClinGen allele CA10361252.
Genomic context (GRCh38, chrX:18,893,578, plus strand): 5'-TTCCTGCAAATAAGAAGCCACTGCTCTTGTTAGGTAGGTCATCGTCCCATAAGCCCCACT[C>T]GGAGCGCTGTCATAAAAGAAGTGGCAGATTCCTGTGGCTTGGTCTTTCTCCAGGGTGTCC-3'
Protein context (NP_000283.1, residues 1195-1215): GICHFFYDSA[Pro1205=]SGAYGTMTYL